The following is an entry in ClinVar:

NM_004380.3(CREBBP):c.6454C>T (p.Pro2152Ser)

Gene: CREBBP (CREB binding lysine acetyltransferase; minus strand). Cytogenetic location: 16p13.3.
Variant type: single nucleotide variant.
Coding change: c.6454C>T on transcript NM_004380.3 (MANE Select); coding-DNA position 6454, C replaced by T.
Protein change: p.Pro2152Ser; replaces proline 2152 with serine.
Molecular consequence: missense variant.
Genome position (GRCh38, 1-based): chr16:3,728,593, G>A on the plus strand (C>T on the coding strand, the complement: CREBBP is on the minus strand). VCF-style: chr16-3728593-G-A. GRCh37 (hg19) VCF-style: chr16-3778594-G-A.
Other names: c.6340C>T, p.Pro2114Ser (NM_001079846.1); short protein forms P2114S, P2152S.
Identifiers: ClinVar variation 989262 (VCV000989262.5), dbSNP rs773348705, ClinGen allele CA276971522.

ClinVar aggregate classification (germline): Uncertain significance. Review status: criteria provided, single submitter (1 of 4 stars). 2 submissions from 2 submitters: Uncertain significance (1). 1 of the submissions does not count toward it. Last evaluated 2019-02-15.

Conditions:
Rubinstein-Taybi syndrome due to CREBBP mutations (RSTS1). Also called: RUBINSTEIN SYNDROME; RUBINSTEIN-TAYBI SYNDROME 1, INCOMPLETE; Rubinstein-Taybi syndrome 1; CREBBP-Related Rubinstein-Taybi Syndrome; BROAD THUMB-HALLUX SYNDROME; BROAD THUMBS AND GREAT TOES, CHARACTERISTIC FACIES, AND IMPAIRED INTELLECTUAL DEVELOPMENT. Identifiers: Orphanet 353277, Orphanet 783, MedGen C4551859, MONDO:0008393, OMIM 180849.
CREBBP-related disorder. Also called: CREBBP-related disorders; CREBBP-related condition.

gnomAD v4.1: 7 of 1,613,684 alleles (0.00043%); highest among the groups gnomAD compares: Admixed American, 0.0017%; no homozygotes.

Submissions (2):

Illumina Laboratory Services, Illumina
Classification: Uncertain significance for Rubinstein-Taybi syndrome due to CREBBP mutations. Last evaluated: 2019-02-15. Review status: criteria provided, single submitter. Criteria: ICSLVariantClassificationCriteria RUGD 01 April 2020. Collection method: clinical testing. Allele origin: unknown.
Comment: The CREBBP c.6454C>T (p.Pro2152Ser) variant is a missense variant. A literature search was performed for the gene, cDNA change, and amino acid change. No publications were found based on this search. This variant is not found in the Genome Aggregation Database; note that this variant was detected in one individual in the Genome Aggregation Database, but the call failed filters in this database. Based on the limited evidence, the p.Pro2152Ser variant is classified as a variant of uncertain significance for Rubinstein-Taybi syndrome.

PreventionGenetics, part of Exact Sciences
Classification: Uncertain significance for CREBBP-related condition. Last evaluated: 2024-03-15. Review status: no assertion criteria provided. Collection method: clinical testing. Allele origin: germline. Not counted in ClinVar's aggregate classification.
Comment: The CREBBP c.6454C>T variant is predicted to result in the amino acid substitution p.Pro2152Ser. To our knowledge, this variant has not been reported in the literature. This variant is reported in 0.12% of alleles in individuals of Latino descent in gnomAD. At this time, the clinical significance of this variant is uncertain due to the absence of conclusive functional and genetic evidence.